The following is an entry in ClinVar:

ClinVar aggregate classification (germline): Uncertain significance (1 of 4 stars; one submission).

Conditions:
Hypomagnesemia, seizures, and impaired intellectual development 2. Also called: Hypomagnesemia, seizures, and intellectual disability 2. Identifiers: MedGen C5193023, MONDO:0020788, OMIM 618314.

Submission:

Victorian Clinical Genetics Services, Murdoch Childrens Research Institute
Classification: Uncertain significance for Hypomagnesemia, seizures, and impaired intellectual development 2. Last evaluated: 2025-10-16. Review status: criteria provided, single submitter. Criteria: ACMG Guidelines, 2015. Collection method: clinical testing. Allele origin: germline. Affected: yes.
Comment: This variant is classified as VUS-3A. Evidence in support of pathogenic classification: Variant is absent from gnomAD (v2, v3 and v4). Additional information: Variant is predicted to result in a missense amino acid change from Gln to Pro; This variant is heterozygous; This gene is associated with autosomal dominant disease; This variant has no previous evidence of pathogenicity; No published evidence of segregation with disease has been identified for this variant; No published functional evidence has been identified for this variant; Another missense variant(s) comparable to the one identified in this case has inconclusive previous evidence for pathogenicity. p.(Gln930Arg) has been classified as a VUS by a clinical laboratory in Clinvar; Variant is located in the annotated cation transporting ATPase, C-terminus domain (DECIPHER) and is annotated as a Na binding site (NCBI); Missense variant with inconclusive in silico prediction and uninformative conservation; Loss of function is a known mechanism of disease in this gene and is associated with Charcot-Marie-Tooth disease, axonal, type 2DD (MIM#618036) and hypomagnesaemia, seizures, and impaired intellectual development 2 (MIM#618314). Loss of function has been clearly established for missense variants; however, there is currently no information in the literature on the mechanism of disease associated with ATP1A1 protein truncating variants (PMIDs: 29499166, 30388404; OMIM); Inheritance information for this variant is not currently available in this individual.

Literature cited by the submitters: PubMed 30388404; PubMed 29499166.

NM_000701.8(ATP1A1):c.2789A>C (p.Gln930Pro)

Genes: ATP1A1 (ATPase Na+/K+ transporting subunit alpha 1; plus strand), ATP1A1-AS1 (ATP1A1 antisense RNA 1; minus strand). Cytogenetic location: 1p13.1.
Variant type: single nucleotide variant.
Coding change: c.2789A>C on transcript NM_000701.8 (MANE Select); coding-DNA position 2789, A replaced by C.
Protein change: p.Gln930Pro; replaces glutamine 930 with proline.
Molecular consequence: missense variant.
Genome position (GRCh38, 1-based): chr1:116,401,200, A>C. VCF-style: chr1-116401200-A-C. GRCh37 (hg19) VCF-style: chr1-116943822-A-C.
Other names: c.2789A>C, p.Gln930Pro (NM_001160233.2); c.2696A>C, p.Gln899Pro (NM_001160234.2); short protein forms Q899P, Q930P.
Identifiers: ClinVar variation 4531861 (VCV004531861.1).